The following is an entry in ClinVar:

NM_000704.3(ATP4A):c.1370T>A (p.Ile457Asn)

Gene: ATP4A (ATPase H+/K+ transporting subunit alpha; minus strand). Cytogenetic location: 19q13.12.
Variant type: single nucleotide variant.
Coding change: c.1370T>A on transcript NM_000704.3 (MANE Select); coding-DNA position 1370, T replaced by A.
Protein change: p.Ile457Asn; replaces isoleucine 457 with asparagine.
Molecular consequence: missense variant.
Genome position (GRCh38, 1-based): chr19:35,558,492, A>T on the plus strand (T>A on the coding strand, the complement: ATP4A is on the minus strand). VCF-style: chr19-35558492-A-T. GRCh37 (hg19) VCF-style: chr19-36049394-A-T.
Other names: short protein forms I457N.
Identifiers: ClinVar variation 3131627 (VCV003131627.2), dbSNP rs144295630, ClinGen allele CA9381096.

ClinVar aggregate classification (germline): Uncertain significance. Review status: criteria provided, multiple submitters, no conflicts (2 of 4 stars). 2 submissions from 2 submitters: Uncertain significance (2). Last evaluated 2025-04-29.

Allele frequency attached by ClinVar (database versions not stated): gnomAD 0.00004; TOPMed 0.00004; ExAC 0.00005; ESP Exome Variant Server 0.00015.
gnomAD v4.1: 131 of 1,595,160 alleles (0.0082%); highest among the groups gnomAD compares: Non-Finnish European, 0.011%; no homozygotes.

Submissions (2):

Labcorp Genetics (formerly Invitae), Labcorp
Classification: Uncertain significance. Last evaluated: 2025-04-29. Review status: criteria provided, single submitter. Criteria: Invitae Variant Classification Sherloc (09022015). Collection method: clinical testing. Allele origin: germline.
Comment: This sequence change replaces isoleucine, which is neutral and non-polar, with asparagine, which is neutral and polar, at codon 457 of the ATP4A protein (p.Ile457Asn). This variant is present in population databases (rs144295630, gnomAD 0.006%). This variant has not been reported in the literature in individuals affected with ATP4A-related conditions. ClinVar contains an entry for this variant (Variation ID: 3131627). Invitae Evidence Modeling of protein sequence and biophysical properties (such as structural, functional, and spatial information, amino acid conservation, physicochemical variation, residue mobility, and thermodynamic stability) indicates that this missense variant is not expected to disrupt ATP4A protein function with a negative predictive value of 80%. In summary, the available evidence is currently insufficient to determine the role of this variant in disease. Therefore, it has been classified as a Variant of Uncertain Significance.

Ambry Genetics
Classification: Uncertain significance. Last evaluated: 2023-10-10. Review status: criteria provided, single submitter. Criteria: Ambry Variant Classification Scheme 2023. Collection method: clinical testing. Allele origin: germline.